The following is an entry in ClinVar:

NM_173551.5(ANKS6):c.209C>G (p.Pro70Arg)

Gene: ANKS6 (ankyrin repeat and sterile alpha motif domain containing 6; minus strand). Cytogenetic location: 9q22.33.
Variant type: single nucleotide variant.
Coding change: c.209C>G on transcript NM_173551.5 (MANE Select); coding-DNA position 209, C replaced by G.
Protein change: p.Pro70Arg; replaces proline 70 with arginine.
Molecular consequence: missense variant.
Genome position (GRCh38, 1-based): chr9:98,796,283, G>C on the plus strand (C>G on the coding strand, the complement: ANKS6 is on the minus strand). VCF-style: chr9-98796283-G-C. GRCh37 (hg19) VCF-style: chr9-101558565-G-C.
Other names: short protein forms P70R.
Identifiers: ClinVar variation 938677 (VCV000938677.10), dbSNP rs1300854819, ClinGen allele CA374220431.
Genomic context (GRCh38, chr9:98,796,283, plus strand): 5'-TGGCCCCCGGCCGCGGCGAACTGCAGTGCGGTGTTGCCCGCCTCGTCCGAGCAATCCACG[G>C]GCACCGGAGCCCCGACTGCCCCCGCCGCTGCGGCCCCGGGCCCGGCCACCTCGGCCCCCG-3'
Protein context (NP_775822.3, residues 60-80): AAAGAVGAPV[Pro70Arg]VDCSDEAGNT

ClinVar aggregate classification (germline): Uncertain significance. Review status: criteria provided, multiple submitters, no conflicts (2 of 4 stars). 3 submissions from 3 submitters: Uncertain significance (3). Last evaluated 2024-06-03.

Conditions:
Nephronophthisis 16 (NPHP16). Identifiers: Orphanet 655, MedGen C3809320, MONDO:0014158, OMIM 615382.

Allele frequency attached by ClinVar (database versions not stated): gnomAD exomes 0.00001; TOPMed 0.00012; gnomAD 0.00015 and 0.00016; 1000 Genomes Project 30x 0.00016.
gnomAD v4.1: 25 of 1,315,700 alleles (0.0019%); highest among the groups gnomAD compares: Admixed American, 0.077%; no homozygotes.

Submissions (3):

Fulgent Genetics
Classification: Uncertain significance for Nephronophthisis 16. Last evaluated: 2024-06-03. Review status: criteria provided, single submitter. Criteria: ACMG Guidelines, 2015. Collection method: clinical testing. Allele origin: germline.

Labcorp Genetics (formerly Invitae), Labcorp
Classification: Uncertain significance for Nephronophthisis 16. Last evaluated: 2022-07-25. Review status: criteria provided, single submitter. Criteria: Invitae Variant Classification Sherloc (09022015). Collection method: clinical testing. Allele origin: germline.
Comment: In summary, the available evidence is currently insufficient to determine the role of this variant in disease. Therefore, it has been classified as a Variant of Uncertain Significance. This variant is not present in population databases (gnomAD no frequency). This sequence change replaces proline, which is neutral and non-polar, with arginine, which is basic and polar, at codon 70 of the ANKS6 protein (p.Pro70Arg). This variant has not been reported in the literature in individuals affected with ANKS6-related conditions. ClinVar contains an entry for this variant (Variation ID: 938677). Algorithms developed to predict the effect of missense changes on protein structure and function are either unavailable or do not agree on the potential impact of this missense change (SIFT: "Tolerated"; PolyPhen-2: "Possibly Damaging"; Align-GVGD: "Class C0"). Algorithms developed to predict the effect of sequence changes on RNA splicing suggest that this variant may create or strengthen a splice site.

GeneDx
Classification: Uncertain significance. Last evaluated: 2022-05-06. Review status: criteria provided, single submitter. Criteria: GeneDx Variant Classification Process June 2021. Collection method: clinical testing. Allele origin: germline. Affected: yes.
Comment: Not observed at significant frequency in large population cohorts (gnomAD); In silico analysis supports that this missense variant does not alter protein structure/function; Has not been previously published as pathogenic or benign to our knowledge